The following is an entry in ClinVar:

ClinVar aggregate classification (germline): Uncertain significance. Review status: criteria provided, multiple submitters, no conflicts (2 of 4 stars). 2 submissions from 2 submitters: Uncertain significance (2). Last evaluated 2025-05-21.

Conditions:
Progressive myoclonic epilepsy type 9. Identifiers: Orphanet 457265, MedGen C4225289, MONDO:0014685, OMIM 616540.
Lipodystrophy, partial, acquired, susceptibility to (APLD). Also called: APLD, SUSCEPTIBILITY TO. Identifiers: MedGen C3887501, MONDO:0100476, OMIM 608709.

Allele frequency attached by ClinVar (database versions not stated): ExAC 0.00001; ESP Exome Variant Server 0.00008.
gnomAD v4.1: 22 of 1,613,790 alleles (0.0014%); highest among the groups gnomAD compares: African/African-American, 0.028%; no homozygotes.

Submissions (2):

Labcorp Genetics (formerly Invitae), Labcorp
Classification: Uncertain significance for Progressive myoclonic epilepsy type 9; Lipodystrophy, partial, acquired, susceptibility to. Last evaluated: 2025-05-21. Review status: criteria provided, single submitter. Criteria: Invitae Variant Classification Sherloc (09022015). Collection method: clinical testing. Allele origin: germline.
Comment: This sequence change replaces valine, which is neutral and non-polar, with leucine, which is neutral and non-polar, at codon 565 of the LMNB2 protein (p.Val565Leu). This variant is present in population databases (rs377753934, gnomAD 0.01%). This variant has not been reported in the literature in individuals affected with LMNB2-related conditions. ClinVar contains an entry for this variant (Variation ID: 2149190). Invitae Evidence Modeling of protein sequence and biophysical properties (such as structural, functional, and spatial information, amino acid conservation, physicochemical variation, residue mobility, and thermodynamic stability) indicates that this missense variant is not expected to disrupt LMNB2 protein function with a negative predictive value of 80%. In summary, the available evidence is currently insufficient to determine the role of this variant in disease. Therefore, it has been classified as a Variant of Uncertain Significance.

Ambry Genetics
Classification: Uncertain significance. Last evaluated: 2025-01-22. Review status: criteria provided, single submitter. Criteria: Ambry Variant Classification Scheme 2023. Collection method: clinical testing. Allele origin: germline.

NM_032737.4(LMNB2):c.1693G>C (p.Val565Leu)

Gene: LMNB2 (lamin B2; minus strand). Cytogenetic location: 19p13.3.
Variant type: single nucleotide variant.
Coding change: c.1693G>C on transcript NM_032737.4 (MANE Select); coding-DNA position 1693, G replaced by C.
Protein change: p.Val565Leu; replaces valine 565 with leucine.
Molecular consequence: missense variant.
Genome position (GRCh38, 1-based): chr19:2,431,800, C>G on the plus strand (G>C on the coding strand, the complement: LMNB2 is on the minus strand). VCF-style: chr19-2431800-C-G. GRCh37 (hg19) VCF-style: chr19-2431798-C-G.
Other names: c.1633G>C (NM_032737.2); short protein forms V565L.
Identifiers: ClinVar variation 2149190 (VCV002149190.5), dbSNP rs377753934, ClinGen allele CA9067373.
Genomic context (GRCh38, chr19:2,431,800, plus strand): 5'-CCCAGGACTCCAGCCGAGCACCCCCCAAGCCACACACACCCACCTCGCCATCCGCGTTAA[C>G]CAGGACGGTGCGGAAGCTCTCGCCCGTGCCCCAGCTGCTCTGGCCCTTCCACACCAGCGT-3'
Protein context (NP_116126.3, residues 555-575): GTGESFRTVL[Val565Leu]NADGEEVAMR